The following is an entry in ClinVar:

NM_001348323.3(TRIP12):c.4253G>A (p.Arg1418Lys)

Gene: TRIP12 (thyroid hormone receptor interactor 12; minus strand). Cytogenetic location: 2q36.3.
Variant type: single nucleotide variant.
Coding change: c.4253G>A on transcript NM_001348323.3 (MANE Select); coding-DNA position 4253, G replaced by A.
Protein change: p.Arg1418Lys; replaces arginine 1418 with lysine.
Molecular consequence: missense variant.
Genome position (GRCh38, 1-based): chr2:229,792,028, C>T on the plus strand (G>A on the coding strand, the complement: TRIP12 is on the minus strand). VCF-style: chr2-229792028-C-T. GRCh37 (hg19) VCF-style: chr2-230656744-C-T.
Other names: c.4172G>A, p.Arg1391Lys (NM_001284214.2, NM_001348315.2); c.4127G>A, p.Arg1376Lys (NM_001284215.2, NM_001348316.2); c.3218G>A, p.Arg1073Lys (NM_001284216.2); c.4112G>A, p.Arg1371Lys (NM_001348317.1, NM_001348318.2); c.4238G>A, p.Arg1413Lys (NM_001348319.1, NM_001348320.2); c.4241G>A, p.Arg1414Lys (NM_001348321.1); c.4253G>A, p.Arg1418Lys (NM_001348322.1, NM_001348324.2, NM_001348325.2 and 2 more transcripts); c.4256G>A, p.Arg1419Lys (NM_001348328.1, NM_001348329.2, NM_001348330.2); and 4 more; short protein forms R1073K, R1344K, R1413K, R1419K, R1391K, R1392K, R1418K, R1343K.
Identifiers: ClinVar variation 1031394 (VCV001031394.2), dbSNP rs1157793506, ClinGen allele CA350900418.

ClinVar aggregate classification (germline): Uncertain significance. Review status: criteria provided, multiple submitters, no conflicts (2 of 4 stars). 2 submissions from 2 submitters: Uncertain significance (2). Last evaluated 2022-03-22.

Conditions:
Clark-Baraitser syndrome. Also called: BARAITSER SYNDROME; Mental retardation, tall stature, obesity, macrocephaly and typical facial features; Intellectual disability, autosomal dominant 49; MENTAL RETARDATION, AUTOSOMAL DOMINANT 49. Identifiers: Orphanet 600731, MedGen C2931130, MONDO:0030914, OMIM 617752.

Allele frequency attached by ClinVar (database versions not stated): gnomAD exomes below 0.00001; gnomAD 0.00001.
gnomAD v4.1: 1 of 1,613,994 alleles (0.000062%); highest among the groups gnomAD compares: Admixed American, 0.0017%; no homozygotes.

Submissions (2):

Fulgent Genetics
Classification: Uncertain significance for Clark-Baraitser syndrome. Last evaluated: 2022-03-22. Review status: criteria provided, single submitter. Criteria: ACMG Guidelines, 2015. Collection method: clinical testing. Allele origin: unknown.

Baylor Genetics
Classification: Uncertain significance for Clark-Baraitser syndrome. Last evaluated: 2018-10-09. Review status: criteria provided, single submitter. Criteria: ACMG Guidelines, 2015. Collection method: clinical testing. Allele origin: paternal. Affected: yes.
Comment: This variant was determined to be of uncertain significance according to ACMG Guidelines, 2015 [PMID:25741868].